The following is an entry in ClinVar:

NM_004369.4(COL6A3):c.6076G>A (p.Glu2026Lys)

Gene: COL6A3 (collagen type VI alpha 3 chain; minus strand). Cytogenetic location: 2q37.3.
Variant type: single nucleotide variant.
Coding change: c.6076G>A on transcript NM_004369.4 (MANE Select); coding-DNA position 6076, G replaced by A.
Protein change: p.Glu2026Lys; replaces glutamic acid 2026 with lysine.
Molecular consequence: missense variant.
Genome position (GRCh38, 1-based): chr2:237,361,819, C>T on the plus strand (G>A on the coding strand, the complement: COL6A3 is on the minus strand). VCF-style: chr2-237361819-C-T. GRCh37 (hg19) VCF-style: chr2-238270462-C-T.
Other names: c.4255G>A, p.Glu1419Lys (NM_057166.5); c.5458G>A, p.Glu1820Lys (NM_057167.4); short protein forms E1419K, E1820K, E2026K.
Identifiers: ClinVar variation 2440459 (VCV002440459.7), dbSNP rs770907851, ClinGen allele CA2188467.

ClinVar aggregate classification (germline): Uncertain significance. Review status: criteria provided, multiple submitters, no conflicts (2 of 4 stars). 3 submissions from 3 submitters: Uncertain significance (3). Last evaluated 2024-10-01.

Conditions:
Bethlem myopathy 1A. Also called: MYOPATHY, BENIGN CONGENITAL, WITH CONTRACTURES; Bethlem myopathy 1; Bethlem Muscular Dystrophy. Identifiers: Orphanet 610, MedGen CN029274, MONDO:0024530, OMIM 158810.
Inborn genetic diseases. Identifiers: MedGen C0950123, MeSH D030342.

Allele frequency attached by ClinVar (database versions not stated): TOPMed below 0.00001; gnomAD exomes 0.00001; ExAC 0.00002.
gnomAD v4.1: 18 of 1,614,138 alleles (0.0011%); highest among the groups gnomAD compares: East Asian, 0.0022%; no homozygotes.

Submissions (3):

Ambry Genetics
Classification: Uncertain significance for Inborn genetic diseases. Last evaluated: 2024-10-01. Review status: criteria provided, single submitter. Criteria: Ambry Variant Classification Scheme 2023. Collection method: clinical testing. Allele origin: germline.

Labcorp Genetics (formerly Invitae), Labcorp
Classification: Uncertain significance for Bethlem myopathy 1A. Last evaluated: 2023-10-13. Review status: criteria provided, single submitter. Criteria: Invitae Variant Classification Sherloc (09022015). Collection method: clinical testing. Allele origin: germline.
Comment: This sequence change replaces glutamic acid, which is acidic and polar, with lysine, which is basic and polar, at codon 2026 of the COL6A3 protein (p.Glu2026Lys). This variant is present in population databases (rs770907851, gnomAD 0.006%). This variant has not been reported in the literature in individuals affected with COL6A3-related conditions. ClinVar contains an entry for this variant (Variation ID: 2440459). Advanced modeling of protein sequence and biophysical properties (such as structural, functional, and spatial information, amino acid conservation, physicochemical variation, residue mobility, and thermodynamic stability) performed at Invitae indicates that this missense variant is expected to disrupt COL6A3 protein function. In summary, the available evidence is currently insufficient to determine the role of this variant in disease. Therefore, it has been classified as a Variant of Uncertain Significance.

Revvity Omics, Revvity
Classification: Uncertain significance. Last evaluated: 2020-09-10. Review status: criteria provided, single submitter. Criteria: ACMG Guidelines, 2015. Collection method: clinical testing. Allele origin: germline.